The following is an entry in ClinVar:

NC_000015.9:g.(48888576_48892335)_(48905290_48936802)del

Gene: FBN1 (fibrillin 1; minus strand). Cytogenetic location: 15q21.1.
Variant type: Deletion.
Identifiers: ClinVar variation 3384907 (VCV003384907.1).

ClinVar aggregate classification (germline): Pathogenic (1 of 4 stars; one submission).

Conditions:
Familial aortopathy. Identifiers: MedGen CN078214.

Submission:

Women's Health and Genetics/Laboratory Corporation of America, LabCorp
Classification: Pathogenic for Familial aortopathy. Last evaluated: 2024-10-07. Review status: criteria provided, single submitter. Criteria: LabCorp Variant Classification Summary - May 2015. Collection method: clinical testing. Allele origin: germline.
Comment: Variant summary: The variant involves the deletion of exons 3-5 in the FBN1 gene. A presumed nomenclature of c.(164+1_165-1)_(442+1_443-1)del has been designated for the purposes of this classification. This Copy Number Variant (CNV) is expected to alter the reading frame and predicted to result in a truncation or absence of the encoded protein due to nonsense mediated decay (NMD). The variant was absent in 21694 control chromosomes (gnomAD, structural variants dataset). To our knowledge, no occurrence of c.(164+1_165-1)_(442+1_443-1)del in individuals affected with FBN1-related disorders and no experimental evidence demonstrating its impact on protein function have been reported. No submitters have cited clinical-significance assessments for this variant to ClinVar. Based on the evidence outlined above, the variant was classified as pathogenic.